The following is an entry in ClinVar:

NM_174936.4(PCSK9):c.1392C>G (p.His464Gln)

Gene: PCSK9 (proprotein convertase subtilisin/kexin type 9; plus strand). Cytogenetic location: 1p32.3.
Variant type: single nucleotide variant.
Coding change: c.1392C>G on transcript NM_174936.4 (MANE Select); coding-DNA position 1392, C replaced by G.
Protein change: p.His464Gln; replaces histidine 464 with glutamine.
Molecular consequence: missense variant.
Genome position (GRCh38, 1-based): chr1:55,058,536, C>G. VCF-style: chr1-55058536-C-G. GRCh37 (hg19) VCF-style: chr1-55524209-C-G.
Other names: c.1515C>G, p.His505Gln (NM_001407240.1); c.1392C>G, p.His464Gln (NM_001407241.1); c.1395C>G, p.His465Gln (NM_001407242.1); c.1335C>G, p.His445Gln (NM_001407243.1); c.1218C>G, p.His406Gln (NM_001407244.1); c.1200C>G, p.His400Gln (NM_001407245.1); c.1017C>G, p.His339Gln (NM_001407246.1); short protein forms H445Q, H464Q, H505Q, H400Q, H406Q, H465Q, H339Q.
Identifiers: ClinVar variation 1771574 (VCV001771574.5), dbSNP rs1302398752, ClinGen allele CA340478754.

ClinVar aggregate classification (germline): Uncertain significance. Review status: criteria provided, multiple submitters, no conflicts (2 of 4 stars). 3 submissions from 3 submitters: Uncertain significance (3). Last evaluated 2024-04-05.

Conditions:
Cardiovascular phenotype. Identifiers: MedGen CN230736.
Hypercholesterolemia, autosomal dominant, 3 (FHCL3). Also called: Familial Hypercholesterolemia, Autosomal Dominant, 3; PCSK9-Related Familial Hypercholesterolemia, Autosomal Dominant; Familial hypercholesterolemia 3. Identifiers: MedGen C1863551, MONDO:0011369, OMIM 603776.

Allele frequency attached by ClinVar (database versions not stated): TOPMed below 0.00001; gnomAD 0.00001.
gnomAD v4.1: 2 of 1,612,076 alleles (0.00012%); highest among the groups gnomAD compares: African/African-American, 0.0027%; no homozygotes.

Submissions (3):

Labcorp Genetics (formerly Invitae), Labcorp
Classification: Uncertain significance for Hypercholesterolemia, autosomal dominant, 3. Last evaluated: 2024-04-05. Review status: criteria provided, single submitter. Criteria: Invitae Variant Classification Sherloc (09022015). Collection method: clinical testing. Allele origin: germline.
Comment: This sequence change replaces histidine, which is basic and polar, with glutamine, which is neutral and polar, at codon 464 of the PCSK9 protein (p.His464Gln). This variant is present in population databases (no rsID available, gnomAD 0.02%). This variant has not been reported in the literature in individuals affected with PCSK9-related conditions. ClinVar contains an entry for this variant (Variation ID: 1771574). Advanced modeling of protein sequence and biophysical properties (such as structural, functional, and spatial information, amino acid conservation, physicochemical variation, residue mobility, and thermodynamic stability) performed at Invitae indicates that this missense variant is not expected to disrupt PCSK9 protein function with a negative predictive value of 80%. In summary, the available evidence is currently insufficient to determine the role of this variant in disease. Therefore, it has been classified as a Variant of Uncertain Significance.

All of Us Research Program, National Institutes of Health
Classification: Uncertain significance for Hypercholesterolemia, autosomal dominant, 3. Last evaluated: 2023-08-23. Review status: criteria provided, single submitter. Criteria: ACMG Guidelines, 2015. Collection method: clinical testing. Allele origin: germline. Inheritance: Autosomal dominant inheritance. Observed: 1 variant allele, 1 heterozygote.
Comment: This missense variant replaces histidine with glutamine at codon 464 of the PCSK9 protein. Computational prediction suggests that this variant may not impact protein structure and function (internally defined REVEL score threshold <= 0.5, PMID: 27666373). To our knowledge, functional studies have not been reported for this variant. This variant has not been reported in individuals affected with PCSK9-related disorders in the literature. This variant has been identified in 1/31390 chromosomes in the general population by the Genome Aggregation Database (gnomAD). The available evidence is insufficient to determine the role of this variant in disease conclusively. Therefore, this variant is classified as a Variant of Uncertain Significance.

This study involves interpretation of variants in research participants for the purpose of population health screening. Participant phenotype was not available at the time of variant classification. Additional details can be found in publication PMID: 35346344, PMCID: PMC8962531

Ambry Genetics
Classification: Uncertain significance for Cardiovascular phenotype. Last evaluated: 2021-09-26. Review status: criteria provided, single submitter. Criteria: Ambry Variant Classification Scheme 2023. Collection method: clinical testing. Allele origin: germline.
Comment: The p.H464Q variant (also known as c.1392C>G), located in coding exon 9 of the PCSK9 gene, results from a C to G substitution at nucleotide position 1392. The histidine at codon 464 is replaced by glutamine, an amino acid with highly similar properties. This amino acid position is conserved. In addition, this alteration is predicted to be tolerated by in silico analysis. Since supporting evidence is limited at this time, the clinical significance of this alteration remains unclear.